The following is an entry in ClinVar:

ClinVar aggregate classification (germline): Uncertain significance. Review status: criteria provided, multiple submitters, no conflicts (2 of 4 stars). 3 submissions from 3 submitters: Uncertain significance (3). Last evaluated 2025-07-05.

Conditions:
Ataxia - intellectual disability - oculomotor apraxia - cerebellar cysts syndrome. Also called: Poretti-Boltshauser syndrome. Identifiers: Orphanet 370022, MedGen C4014821, MONDO:0014419, OMIM 615960.
Inborn genetic diseases. Identifiers: MedGen C0950123, MeSH D030342.

Allele frequency attached by ClinVar (database versions not stated): TOPMed 0.00002; gnomAD 0.00003; ExAC 0.00004; gnomAD exomes 0.00004.
gnomAD v4.1: 56 of 1,613,368 alleles (0.0035%); highest among the groups gnomAD compares: Middle Eastern, 0.033%; no homozygotes.

Submissions (3):

Labcorp Genetics (formerly Invitae), Labcorp
Classification: Uncertain significance. Last evaluated: 2025-07-05. Review status: criteria provided, single submitter. Criteria: Invitae Variant Classification Sherloc (09022015). Collection method: clinical testing. Allele origin: germline.
Comment: This sequence change replaces arginine, which is basic and polar, with glycine, which is neutral and non-polar, at codon 2734 of the LAMA1 protein (p.Arg2734Gly). This variant is present in population databases (rs778569567, gnomAD 0.005%). This variant has not been reported in the literature in individuals affected with LAMA1-related conditions. ClinVar contains an entry for this variant (Variation ID: 2184064). Invitae Evidence Modeling of protein sequence and biophysical properties (such as structural, functional, and spatial information, amino acid conservation, physicochemical variation, residue mobility, and thermodynamic stability) indicates that this missense variant is not expected to disrupt LAMA1 protein function with a negative predictive value of 80%. In summary, the available evidence is currently insufficient to determine the role of this variant in disease. Therefore, it has been classified as a Variant of Uncertain Significance.

Ambry Genetics
Classification: Uncertain significance for Inborn genetic diseases. Last evaluated: 2025-07-02. Review status: criteria provided, single submitter. Criteria: Ambry Variant Classification Scheme 2023. Collection method: clinical testing. Allele origin: germline.

Revvity Omics, Revvity
Classification: Uncertain significance for Ataxia - intellectual disability - oculomotor apraxia - cerebellar cysts syndrome. Last evaluated: 2024-05-08. Review status: criteria provided, single submitter. Criteria: ACMG Guidelines, 2015. Collection method: clinical testing. Allele origin: germline.

NM_005559.4(LAMA1):c.8200A>G (p.Arg2734Gly)

Genes: LAMA1 (laminin subunit alpha 1; minus strand), LOC101927188 (uncharacterized LOC101927188; plus strand). Cytogenetic location: 18p11.31.
Variant type: single nucleotide variant.
Coding change: c.8200A>G on transcript NM_005559.4 (MANE Select); coding-DNA position 8200, A replaced by G.
Protein change: p.Arg2734Gly; replaces arginine 2734 with glycine.
Molecular consequence: missense variant.
Genome position (GRCh38, 1-based): chr18:6,955,360, T>C on the plus strand (A>G on the coding strand, the complement: LAMA1 is on the minus strand). VCF-style: chr18-6955360-T-C. GRCh37 (hg19) VCF-style: chr18-6955359-T-C.
Other names: c.8200A>G (NM_005559.3); short protein forms R2734G.
Identifiers: ClinVar variation 2184064 (VCV002184064.6), dbSNP rs778569567, ClinGen allele CA8880573.
Genomic context (GRCh38, chr18:6,955,360, plus strand): 5'-CCCCATACATCTAGCAATGAGACGCCGCATAAGGATGTTAGAATGATACCTACTTCTTTC[T>C]GACAGCCGACTGATTAAAAGGCAAGATGAAATGGCTGTTTTGTGTGAGACCAAACTGGTG-3'
Protein context (NP_005550.2, residues 2724-2744): FILPFNQSAV[Arg2734Gly]KKLSVELSIR